The following is an entry in ClinVar:

ClinVar aggregate classification (germline): Pathogenic. Review status: criteria provided, multiple submitters, no conflicts (2 of 4 stars). 3 submissions from 3 submitters: Pathogenic (2). 1 of the submissions does not count toward it. Last evaluated 2022-08-10.

Conditions:
Epidermolysis bullosa simplex. Also called: Epidermolysis bullosa simplex, Weber-Cockayne type (subtype); Epidermolysis bullosa simplex, Dowling-Meara type (subtype); Epidermolysis bullosa simplex with mottled pigmentation (subtype). Identifiers: Orphanet 304, MedGen C0079298, MONDO:0017610.

Submissions (3):

Labcorp Genetics (formerly Invitae), Labcorp
Classification: Pathogenic. Last evaluated: 2022-08-10. Review status: criteria provided, single submitter. Criteria: Invitae Variant Classification Sherloc (09022015). Collection method: clinical testing. Allele origin: germline.
Comment: For these reasons, this variant has been classified as Pathogenic. Algorithms developed to predict the effect of sequence changes on RNA splicing suggest that this variant may create or strengthen a splice site. Advanced modeling of protein sequence and biophysical properties (such as structural, functional, and spatial information, amino acid conservation, physicochemical variation, residue mobility, and thermodynamic stability) performed at Invitae indicates that this missense variant is expected to disrupt KRT5 protein function. ClinVar contains an entry for this variant (Variation ID: 66246). This missense change has been observed in individual(s) with autosomal dominant epidermolysis bullosa simplex (PMID: 18384561). It has also been observed to segregate with disease in related individuals. This variant is not present in population databases (gnomAD no frequency). This sequence change replaces arginine, which is basic and polar, with serine, which is neutral and polar, at codon 165 of the KRT5 protein (p.Arg165Ser).

Biomedical Innovation Departament, CIEMAT
Classification: Pathogenic for Simplex epidermolysis bullosa. Last evaluated: 2015-09-22. Review status: criteria provided, single submitter. Criteria: ACMG Guidelines, 2015. Collection method: research. Allele origin: germline. Affected: yes. Observed: 1 variant allele.

Epithelial Biology;  Institute of Medical Biology, Singapore
No classification provided. Review status: no classification provided. Collection method: not provided. Allele origin: not provided. Not counted in ClinVar's aggregate classification.

Literature cited by the submitters: PubMed 18384561 (cited by Labcorp Genetics (formerly Invitae), Labcorp); PubMed 8799157 (cited by Biomedical Innovation Departament, CIEMAT).

NM_000424.4(KRT5):c.495G>T (p.Arg165Ser)

Gene: KRT5 (keratin 5; minus strand). Cytogenetic location: 12q13.13.
Variant type: single nucleotide variant.
Coding change: c.495G>T on transcript NM_000424.4 (MANE Select); coding-DNA position 495, G replaced by T.
Protein change: p.Arg165Ser; replaces arginine 165 with serine.
Molecular consequence: missense variant.
Genome position (GRCh38, 1-based): chr12:52,519,802, C>A on the plus strand (G>T on the coding strand, the complement: KRT5 is on the minus strand). VCF-style: chr12-52519802-C-A. GRCh37 (hg19) VCF-style: chr12-52913586-C-A.
Other names: short protein forms R165S.
Identifiers: ClinVar variation 66246 (VCV000066246.6), dbSNP rs267607456, ClinGen allele CA216727.